The following is an entry in ClinVar:

ClinVar aggregate classification (germline): Uncertain significance (1 of 4 stars; one submission).

Allele frequency attached by ClinVar (database versions not stated): gnomAD exomes 0.00003; ExAC 0.00002; TOPMed 0.00002.
gnomAD v4.1: 41 of 1,613,518 alleles (0.0025%); highest among the groups gnomAD compares: Admixed American, 0.0033%; no homozygotes.

Submission:

Labcorp Genetics (formerly Invitae), Labcorp
Classification: Uncertain significance. Last evaluated: 2022-05-19. Review status: criteria provided, single submitter. Criteria: Invitae Variant Classification Sherloc (09022015). Collection method: clinical testing. Allele origin: germline.
Comment: In summary, the available evidence is currently insufficient to determine the role of this variant in disease. Therefore, it has been classified as a Variant of Uncertain Significance. This sequence change affects codon 550 of the TUBGCP6 mRNA. It is a 'silent' change, meaning that it does not change the encoded amino acid sequence of the TUBGCP6 protein. This variant is present in population databases (rs776356001, gnomAD 0.006%). This variant has not been reported in the literature in individuals affected with TUBGCP6-related conditions. Algorithms developed to predict the effect of sequence changes on RNA splicing suggest that this variant may create or strengthen a splice site.

NM_020461.4(TUBGCP6):c.1650C>T (p.Gly550=)

Gene: TUBGCP6 (tubulin gamma complex component 6; minus strand). Cytogenetic location: 22q13.33.
Variant type: single nucleotide variant.
Coding change: c.1650C>T on transcript NM_020461.4 (MANE Select); coding-DNA position 1650, C replaced by T.
Protein change: p.Gly550=; no amino-acid change (glycine 550 retained).
Molecular consequence: synonymous variant.
Genome position (GRCh38, 1-based): chr22:50,226,330, G>A on the plus strand (C>T on the coding strand, the complement: TUBGCP6 is on the minus strand). VCF-style: chr22-50226330-G-A. GRCh37 (hg19) VCF-style: chr22-50664759-G-A.
Identifiers: ClinVar variation 1400535 (VCV001400535.5), dbSNP rs776356001, ClinGen allele CA10308568.